The following is an entry in ClinVar:

ClinVar aggregate classification (germline): Uncertain significance. Review status: criteria provided, multiple submitters, no conflicts (2 of 4 stars). 2 submissions from 2 submitters: Uncertain significance (2). Last evaluated 2025-09-26.

Conditions:
CEP290-related ciliopathy. Also called: CEP290 ciliopathy. Identifiers: MedGen CN305601, MONDO:0100451.
Nephronophthisis. Also called: Juvenile Nephronophthisis. Identifiers: Orphanet 655, MedGen C0687120, MONDO:0019005, HP:0000090.
Joubert syndrome. Also called: Familial aplasia of the vermis; JOUBERT-BOLTSHAUSER SYNDROME. Identifiers: Orphanet 475, MedGen C5979921, MONDO:0018772.
Meckel-Gruber syndrome. Also called: Dysencephalia splachnocystica; DYSENCEPHALIA SPLANCHNOCYSTICA; GRUBER SYNDROME. Identifiers: Orphanet 564, MedGen C0265215, MONDO:0018921.

Allele frequency attached by ClinVar (database versions not stated): gnomAD 0.00001; TOPMed 0.00002; ExAC 0.00005; 1000 Genomes Project 30x 0.00016; 1000 Genomes Project 0.00020.
gnomAD v4.1: 7 of 1,509,584 alleles (0.00046%); highest among the groups gnomAD compares: East Asian, 0.018%; no homozygotes.

Submissions (2):

Myriad Genetics, Inc.
Classification: Uncertain significance for CEP290-related ciliopathy. Last evaluated: 2025-09-26. Review status: criteria provided, single submitter. Criteria: Myriad Autosomal Dominant, Autosomal Recessive and X-Linked Classification Criteria (2023). Collection method: clinical testing. Allele origin: unknown.
Comment: NM_025114.3(CEP290):c.964G>A(D322N) is a missense variant classified as a variant of uncertain significance in the context of CEP290-related disorders. D322N has not been observed in cases with relevant disease. Relevant functional assessments of this variant are not available in the literature. D322N has been observed in referenced population frequency databases. In summary, there is insufficient evidence to classify NM_025114.3(CEP290):c.964G>A(D322N) as pathogenic or benign. Please note: this variant was assessed in the context of healthy population screening.

Labcorp Genetics (formerly Invitae), Labcorp
Classification: Uncertain significance for Joubert syndrome; Meckel-Gruber syndrome; Nephronophthisis. Last evaluated: 2022-10-18. Review status: criteria provided, single submitter. Criteria: Invitae Variant Classification Sherloc (09022015). Collection method: clinical testing. Allele origin: germline.
Comment: This sequence change replaces aspartic acid, which is acidic and polar, with asparagine, which is neutral and polar, at codon 322 of the CEP290 protein (p.Asp322Asn). The frequency data for this variant in the population databases is considered unreliable, as metrics indicate poor data quality at this position in the gnomAD database. This variant has not been reported in the literature in individuals affected with CEP290-related conditions. ClinVar contains an entry for this variant (Variation ID: 1480122). Advanced modeling of protein sequence and biophysical properties (such as structural, functional, and spatial information, amino acid conservation, physicochemical variation, residue mobility, and thermodynamic stability) performed at Invitae indicates that this missense variant is not expected to disrupt CEP290 protein function. In summary, the available evidence is currently insufficient to determine the role of this variant in disease. Therefore, it has been classified as a Variant of Uncertain Significance.

NM_025114.4(CEP290):c.964G>A (p.Asp322Asn)

Gene: CEP290 (centrosomal protein 290; minus strand). Cytogenetic location: 12q21.32.
Variant type: single nucleotide variant.
Coding change: c.964G>A on transcript NM_025114.4 (MANE Select); coding-DNA position 964, G replaced by A.
Protein change: p.Asp322Asn; replaces aspartic acid 322 with asparagine.
Molecular consequence: missense variant.
Genome position (GRCh38, 1-based): chr12:88,126,417, C>T on the plus strand (G>A on the coding strand, the complement: CEP290 is on the minus strand). VCF-style: chr12-88126417-C-T. GRCh37 (hg19) VCF-style: chr12-88520194-C-T.
Other names: short protein forms D322N.
Identifiers: ClinVar variation 1480122 (VCV001480122.4), dbSNP rs536127246, ClinGen allele CA6712646.